The following is an entry in ClinVar:

ClinVar aggregate classification (germline): Uncertain significance (1 of 4 stars; one submission).

Submission:

Labcorp Genetics (formerly Invitae), Labcorp
Classification: Uncertain significance. Last evaluated: 2020-11-17. Review status: criteria provided, single submitter. Criteria: Invitae Variant Classification Sherloc (09022015). Collection method: clinical testing. Allele origin: germline.
Comment: This variant has not been reported in the literature in individuals with NCSTN-related conditions. Algorithms developed to predict the effect of missense changes on protein structure and function are either unavailable or do not agree on the potential impact of this missense change (SIFT: "Deleterious"; PolyPhen-2: "Possibly Damaging"; Align-GVGD: "Class C0"). Nucleotide substitutions within the consensus splice site are a relatively common cause of aberrant splicing (PMID: 17576681, 9536098). Algorithms developed to predict the effect of sequence changes on RNA splicing suggest that this variant may disrupt the consensus splice site, but this prediction has not been confirmed by published transcriptional studies. In summary, the available evidence is currently insufficient to determine the role of this variant in disease. Therefore, it has been classified as a Variant of Uncertain Significance. This variant is not present in population databases (ExAC no frequency). This sequence change replaces glycine with arginine at codon 146 of the NCSTN protein (p.Gly146Arg). The glycine residue is highly conserved and there is a moderate physicochemical difference between glycine and arginine. This variant also falls at the last nucleotide of exon 4, which is part of the consensus splice site for this exon.

Literature cited by the submitters: PubMed 17576681; PubMed 9536098.

NM_015331.3(NCSTN):c.436G>C (p.Gly146Arg)

Gene: NCSTN (nicastrin; plus strand). Cytogenetic location: 1q23.2.
Variant type: single nucleotide variant.
Coding change: c.436G>C on transcript NM_015331.3 (MANE Select); coding-DNA position 436, G replaced by C.
Protein change: p.Gly146Arg; replaces glycine 146 with arginine.
Molecular consequence: missense variant.
Genome position (GRCh38, 1-based): chr1:160,349,670, G>C. VCF-style: chr1-160349670-G-C. GRCh37 (hg19) VCF-style: chr1-160319460-G-C.
Other names: c.376G>C, p.Gly126Arg (NM_001290184.2); c.436G>C, p.Gly146Arg (NM_001290186.2, NM_001349729.2); short protein forms G146R, G126R.
Identifiers: ClinVar variation 1348756 (VCV001348756.8), dbSNP rs2101899006, ClinGen allele CA343277473.